The following is an entry in ClinVar:

ClinVar aggregate classification (germline): Likely benign. Review status: criteria provided, multiple submitters, no conflicts (2 of 4 stars). 2 submissions from 2 submitters: Likely benign (2). Last evaluated 2025-07-01.

Allele frequency attached by ClinVar (database versions not stated): ExAC 0.00001.
gnomAD v4.1: 4 of 1,613,746 alleles (0.00025%); highest among the groups gnomAD compares: South Asian, 0.0011%; no homozygotes.

Submissions (2):

CeGaT Center for Human Genetics Tuebingen
Classification: Likely benign. Last evaluated: 2025-07-01. Review status: criteria provided, single submitter. Criteria: CeGaT Center For Human Genetics Tuebingen Variant Classification Criteria Version 2. Collection method: clinical testing. Allele origin: germline. Affected: yes. Observed: 1 variant allele.
Comment: BMP1: BP4, BP7

Labcorp Genetics (formerly Invitae), Labcorp
Classification: Likely benign. Last evaluated: 2023-12-20. Review status: criteria provided, single submitter. Criteria: Invitae Variant Classification Sherloc (09022015). Collection method: clinical testing. Allele origin: germline.

NM_006129.5(BMP1):c.369G>A (p.Thr123=)

Gene: BMP1 (bone morphogenetic protein 1; plus strand). Cytogenetic location: 8p21.3.
Variant type: single nucleotide variant.
Coding change: c.369G>A on transcript NM_006129.5 (MANE Select); coding-DNA position 369, G replaced by A.
Protein change: p.Thr123=; no amino-acid change (threonine 123 retained).
Molecular consequence: synonymous variant. On other transcripts: non-coding transcript variant (2).
Genome position (GRCh38, 1-based): chr8:22,176,249, G>A. VCF-style: chr8-22176249-G-A. GRCh37 (hg19) VCF-style: chr8-22033762-G-A.
Other names: c.369G>A, p.Thr123= (NM_001199.4).
Identifiers: ClinVar variation 2788031 (VCV002788031.11), dbSNP rs780936783, ClinGen allele CA4664236.